The following is an entry in ClinVar:

NM_003640.5(ELP1):c.2748A>G (p.Glu916=)

Gene: ELP1 (elongator acetyltransferase complex subunit 1; minus strand). Cytogenetic location: 9q31.3.
Variant type: single nucleotide variant.
Coding change: c.2748A>G on transcript NM_003640.5 (MANE Select); coding-DNA position 2748, A replaced by G.
Protein change: p.Glu916=; no amino-acid change (glutamic acid 916 retained).
Molecular consequence: synonymous variant.
Genome position (GRCh38, 1-based): chr9:108,894,055, T>C on the plus strand (A>G on the coding strand, the complement: ELP1 is on the minus strand). VCF-style: chr9-108894055-T-C. GRCh37 (hg19) VCF-style: chr9-111656335-T-C.
Other names: c.2406A>G, p.Glu802= (NM_001318360.2); c.1701A>G, p.Glu567= (NM_001330749.2); c.2748A>G (LRG_251t1, NM_003640.4).
Identifiers: ClinVar variation 633272 (VCV000633272.15), dbSNP rs200551647, ClinGen allele CA5174544.

ClinVar aggregate classification (germline): Likely benign. Review status: criteria provided, multiple submitters, no conflicts (2 of 4 stars). 4 submissions from 4 submitters: Likely benign (3). 1 of the submissions does not count toward it. Last evaluated 2025-01-07.

Conditions:
ELP1-related disorder. Also called: ELP1-related condition.

Allele frequency attached by ClinVar (database versions not stated): gnomAD exomes 0.00002 and 0.00003; TOPMed 0.00002; gnomAD 0.00003; ExAC 0.00007; 1000 Genomes Project 30x 0.00016; 1000 Genomes Project 0.00020.
gnomAD v4.1: 31 of 1,497,698 alleles (0.0021%); highest among the groups gnomAD compares: Non-Finnish European, 0.0028%; no homozygotes.

Submissions (4):

Labcorp Genetics (formerly Invitae), Labcorp
Classification: Likely benign. Last evaluated: 2025-01-07. Review status: criteria provided, single submitter. Criteria: Invitae Variant Classification Sherloc (09022015). Collection method: clinical testing. Allele origin: germline.

Ambry Genetics
Classification: Likely benign. Last evaluated: 2022-06-12. Review status: criteria provided, single submitter. Criteria: Ambry Variant Classification Scheme 2023. Collection method: clinical testing. Allele origin: germline.

Women's Health and Genetics/Laboratory Corporation of America, LabCorp
Classification: Likely benign. Last evaluated: 2019-08-28. Review status: criteria provided, single submitter. Criteria: LabCorp Variant Classification Summary - May 2015. Collection method: clinical testing. Allele origin: germline.

PreventionGenetics, part of Exact Sciences
Classification: Likely benign for ELP1-related condition. Last evaluated: 2019-06-10. Review status: no assertion criteria provided. Collection method: clinical testing. Allele origin: germline. Not counted in ClinVar's aggregate classification.
Comment: This variant is classified as likely benign based on ACMG/AMP sequence variant interpretation guidelines (Richards et al. 2015 PMID: 25741868, with internal and published modifications).